The following is an entry in ClinVar:

ClinVar aggregate classification (germline): Uncertain significance. Review status: criteria provided, multiple submitters, no conflicts (2 of 4 stars). 2 submissions from 2 submitters: Uncertain significance (2). Last evaluated 2022-11-06.

Conditions:
Inborn genetic diseases. Identifiers: MedGen C0950123, MeSH D030342.
Charcot-Marie-Tooth disease axonal type 2Z. Also called: CHARCOT-MARIE-TOOTH DISEASE, AXONAL, AUTOSOMAL DOMINANT, TYPE 2Z; CHARCOT-MARIE-TOOTH NEUROPATHY, TYPE 2Z. Identifiers: Orphanet 466768, MedGen C5569025, MONDO:0014736, OMIM 616688.

Allele frequency attached by ClinVar (database versions not stated): TOPMed below 0.00001; gnomAD 0.00001; gnomAD exomes 0.00001 and 0.00002; ExAC 0.00002.
gnomAD v4.1: 25 of 1,613,984 alleles (0.0015%); highest among the groups gnomAD compares: East Asian, 0.0022%; no homozygotes.

Submissions (2):

Labcorp Genetics (formerly Invitae), Labcorp
Classification: Uncertain significance for Charcot-Marie-Tooth disease axonal type 2Z. Last evaluated: 2022-11-06. Review status: criteria provided, single submitter. Criteria: Invitae Variant Classification Sherloc (09022015). Collection method: clinical testing. Allele origin: germline.
Comment: In summary, the available evidence is currently insufficient to determine the role of this variant in disease. Therefore, it has been classified as a Variant of Uncertain Significance. Advanced modeling of protein sequence and biophysical properties (such as structural, functional, and spatial information, amino acid conservation, physicochemical variation, residue mobility, and thermodynamic stability) performed at Invitae indicates that this missense variant is not expected to disrupt MORC2 protein function. ClinVar contains an entry for this variant (Variation ID: 1431916). This variant has not been reported in the literature in individuals affected with MORC2-related conditions. This variant is present in population databases (rs747693260, gnomAD 0.003%). This sequence change replaces arginine, which is basic and polar, with histidine, which is basic and polar, at codon 988 of the MORC2 protein (p.Arg988His).

Ambry Genetics
Classification: Uncertain significance for Inborn genetic diseases. Last evaluated: 2020-08-08. Review status: criteria provided, single submitter. Criteria: Ambry Variant Classification Scheme 2023. Collection method: clinical testing. Allele origin: germline.
Comment: The p.R988H variant (also known as c.2963G>A), located in coding exon 25 of the MORC2 gene, results from a G to A substitution at nucleotide position 2963. The arginine at codon 988 is replaced by histidine, an amino acid with highly similar properties. This amino acid position is not well conserved in available vertebrate species. In addition, this alteration is predicted to be tolerated by in silico analysis. Since supporting evidence is limited at this time, the clinical significance of this alteration remains unclear.

NM_001303256.3(MORC2):c.2963G>A (p.Arg988His)

Gene: MORC2 (MORC family CW-type zinc finger 2; minus strand). Cytogenetic location: 22q12.2.
Variant type: single nucleotide variant.
Coding change: c.2963G>A on transcript NM_001303256.3 (MANE Select); coding-DNA position 2963, G replaced by A.
Protein change: p.Arg988His; replaces arginine 988 with histidine.
Molecular consequence: missense variant.
Genome position (GRCh38, 1-based): chr22:30,928,086, C>T on the plus strand (G>A on the coding strand, the complement: MORC2 is on the minus strand). VCF-style: chr22-30928086-C-T. GRCh37 (hg19) VCF-style: chr22-31324073-C-T.
Other names: c.2963G>A, p.Arg988His (NM_001303257.2); c.2777G>A, p.Arg926His (NM_014941.3); short protein forms R988H, R926H.
Identifiers: ClinVar variation 1431916 (VCV001431916.8), dbSNP rs747693260, ClinGen allele CA10186505.